The following is an entry in ClinVar:

NM_006939.4(SOS2):c.3266C>A (p.Pro1089Gln)

Gene: SOS2 (SOS Ras/Rho guanine nucleotide exchange factor 2; minus strand). Cytogenetic location: 14q21.3.
Variant type: single nucleotide variant.
Coding change: c.3266C>A on transcript NM_006939.4 (MANE Select); coding-DNA position 3266, C replaced by A.
Protein change: p.Pro1089Gln; replaces proline 1089 with glutamine.
Molecular consequence: missense variant.
Genome position (GRCh38, 1-based): chr14:50,130,572, G>T on the plus strand (C>A on the coding strand, the complement: SOS2 is on the minus strand). VCF-style: chr14-50130572-G-T. GRCh37 (hg19) VCF-style: chr14-50597290-G-T.
Other names: short protein forms P1089Q.
Identifiers: ClinVar variation 645052 (VCV000645052.8), dbSNP rs1409054252, ClinGen allele CA389640487.

ClinVar aggregate classification (germline): Uncertain significance (1 of 4 stars; one submission).

Conditions:
Noonan syndrome 9 (NS9). Identifiers: Orphanet 648, MedGen C4225282, MONDO:0014691, OMIM 616559.

Allele frequency attached by ClinVar (database versions not stated): TOPMed below 0.00001; gnomAD 0.00001.
gnomAD v4.1: 1 of 1,613,584 alleles (0.000062%); highest among the groups gnomAD compares: Non-Finnish European, 0.000085%; no homozygotes.

Submission:

Labcorp Genetics (formerly Invitae), Labcorp
Classification: Uncertain significance for Noonan syndrome 9. Last evaluated: 2025-08-01. Review status: criteria provided, single submitter. Criteria: Invitae Variant Classification Sherloc (09022015). Collection method: clinical testing. Allele origin: germline.
Comment: This sequence change replaces proline, which is neutral and non-polar, with glutamine, which is neutral and polar, at codon 1089 of the SOS2 protein (p.Pro1089Gln). This variant is not present in population databases (gnomAD no frequency). This variant has not been reported in the literature in individuals affected with SOS2-related conditions. ClinVar contains an entry for this variant (Variation ID: 645052). Invitae Evidence Modeling of protein sequence and biophysical properties (such as structural, functional, and spatial information, amino acid conservation, physicochemical variation, residue mobility, and thermodynamic stability) indicates that this missense variant is not expected to disrupt SOS2 protein function with a negative predictive value of 95%. In summary, the available evidence is currently insufficient to determine the role of this variant in disease. Therefore, it has been classified as a Variant of Uncertain Significance.